The following is an entry in ClinVar:

ClinVar aggregate classification (germline): Uncertain significance (1 of 4 stars; one submission).

Conditions:
SEMA3B-related disorder. Also called: SEMA3B-related condition.

gnomAD v4.1: 1 of 1,599,748 alleles (0.000063%); highest among the groups gnomAD compares: South Asian, 0.0011%; no homozygotes.

Submission:

PreventionGenetics, part of Exact Sciences
Classification: Uncertain significance for SEMA3B-related condition. Last evaluated: 2024-11-09. Review status: criteria provided, single submitter. Criteria: ACMG Guidelines, 2015. Collection method: clinical testing. Allele origin: germline.
Comment: The SEMA3B c.450G>A variant is not predicted to result in an amino acid change (p.=). This variant is predicted to alter splicing based on available splicing prediction software (SpliceAI, Jaganathan et al. 2019. PubMed ID: 30661751). However, the use of computer prediction software is not equivalent to functional evidence. To our knowledge, this variant has not been reported in the literature. This variant is reported in 0.0072% of alleles in individuals of East Asian descent in gnomAD. At this time, the clinical significance of this variant is uncertain due to the absence of conclusive functional and genetic evidence.

NM_001290060.2(SEMA3B):c.450G>A (p.Glu150=)

Gene: SEMA3B (semaphorin 3B; plus strand). Cytogenetic location: 3p21.31.
Variant type: single nucleotide variant.
Coding change: c.450G>A on transcript NM_001290060.2 (MANE Select); coding-DNA position 450, G replaced by A.
Protein change: p.Glu150=; no amino-acid change (glutamic acid 150 retained).
Molecular consequence: synonymous variant.
Genome position (GRCh38, 1-based): chr3:50,271,009, G>A. VCF-style: chr3-50271009-G-A. GRCh37 (hg19) VCF-style: chr3-50308440-G-A.
Other names: c.450G>A, p.Glu150= (NM_001005914.3, NM_001290061.1, NM_001435956.1 and 3 more transcripts).
Identifiers: ClinVar variation 4998904 (VCV004998904.1).